The following is an entry in ClinVar:

ClinVar aggregate classification (germline): Uncertain significance (1 of 4 stars; one submission).

gnomAD v4.1: 1 of 1,614,100 alleles (0.000062%); highest among the groups gnomAD compares: Non-Finnish European, 0.000085%; no homozygotes.

Submission:

GeneDx
Classification: Uncertain significance. Last evaluated: 2024-09-13. Review status: criteria provided, single submitter. Criteria: GeneDx Variant Classification Process June 2021. Collection method: clinical testing. Allele origin: germline. Affected: yes.
Comment: Not observed at significant frequency in large population cohorts (gnomAD); In silico analysis indicates that this missense variant does not alter protein structure/function; Has not been previously published as pathogenic or benign to our knowledge

NM_018685.5(ANLN):c.1160A>G (p.Glu387Gly)

Gene: ANLN (anillin, actin binding protein; plus strand). Cytogenetic location: 7p14.2.
Variant type: single nucleotide variant.
Coding change: c.1160A>G on transcript NM_018685.5 (MANE Select); coding-DNA position 1160, A replaced by G.
Protein change: p.Glu387Gly; replaces glutamic acid 387 with glycine.
Molecular consequence: missense variant.
Genome position (GRCh38, 1-based): chr7:36,410,577, A>G. VCF-style: chr7-36410577-A-G. GRCh37 (hg19) VCF-style: chr7-36450186-A-G.
Other names: c.1160A>G, p.Glu387Gly (NM_001284301.3, NM_001284302.3); short protein forms E387G.
Identifiers: ClinVar variation 3770128 (VCV003770128.1).